The following is an entry in ClinVar:

NM_000388.4(CASR):c.464A>T (p.Asn155Ile)

Gene: CASR (calcium sensing receptor; plus strand). Cytogenetic location: 3q21.1.
Variant type: single nucleotide variant.
Coding change: c.464A>T on transcript NM_000388.4 (MANE Select); coding-DNA position 464, A replaced by T.
Protein change: p.Asn155Ile; replaces asparagine 155 with isoleucine.
Molecular consequence: missense variant.
Genome position (GRCh38, 1-based): chr3:122,257,359, A>T. VCF-style: chr3-122257359-A-T. GRCh37 (hg19) VCF-style: chr3-121976206-A-T.
Other names: c.464A>T, p.Asn155Ile (NM_001178065.2); short protein forms N155I.
Identifiers: ClinVar variation 1999627 (VCV001999627.4), dbSNP rs1427023762, ClinGen allele CA354362948.

ClinVar aggregate classification (germline): Uncertain significance (1 of 4 stars; one submission).

Conditions:
Autosomal dominant hypocalcemia 1 (HYPOC1). Also called: HYPOCALCEMIA, FAMILIAL. Identifiers: MedGen C3715128, MONDO:0011013, OMIM 601198.
Familial hypocalciuric hypercalcemia (FHH). Also called: Familial benign hypercalcemia. Identifiers: Orphanet 405, MedGen C1809471, MONDO:0018458.

Submission:

Labcorp Genetics (formerly Invitae), Labcorp
Classification: Uncertain significance for Familial hypocalciuric hypercalcemia; Autosomal dominant hypocalcemia 1. Last evaluated: 2022-05-27. Review status: criteria provided, single submitter. Criteria: Invitae Variant Classification Sherloc (09022015). Collection method: clinical testing. Allele origin: germline.
Comment: This sequence change replaces asparagine, which is neutral and polar, with isoleucine, which is neutral and non-polar, at codon 155 of the CASR protein (p.Asn155Ile). This variant is not present in population databases (gnomAD no frequency). This variant has not been reported in the literature in individuals affected with CASR-related conditions. Algorithms developed to predict the effect of missense changes on protein structure and function (SIFT, PolyPhen-2, Align-GVGD) all suggest that this variant is likely to be disruptive. In summary, the available evidence is currently insufficient to determine the role of this variant in disease. Therefore, it has been classified as a Variant of Uncertain Significance.